The following is an entry in ClinVar:

NM_032043.3(BRIP1):c.1912A>C (p.Asn638His)

Gene: BRIP1 (BRCA1 interacting DNA helicase 1; minus strand). Cytogenetic location: 17q23.2.
Variant type: single nucleotide variant.
Coding change: c.1912A>C on transcript NM_032043.3 (MANE Select); coding-DNA position 1912, A replaced by C.
Protein change: p.Asn638His; replaces asparagine 638 with histidine.
Molecular consequence: missense variant.
Genome position (GRCh38, 1-based): chr17:61,780,284, T>G on the plus strand (A>C on the coding strand, the complement: BRIP1 is on the minus strand). VCF-style: chr17-61780284-T-G. GRCh37 (hg19) VCF-style: chr17-59857645-T-G.
Other names: short protein forms N638H.
Identifiers: ClinVar variation 4216277 (VCV004216277.1).

ClinVar aggregate classification (germline): Uncertain significance (1 of 4 stars; one submission).

Conditions:
Hereditary cancer-predisposing syndrome. Also called: Hereditary Cancer Syndrome; Hereditary neoplastic syndrome; Neoplastic Syndromes, Hereditary; Tumor predisposition. Identifiers: Orphanet 140162, MedGen C0027672, MeSH D009386, MONDO:0015356.

Submission:

Ambry Genetics
Classification: Uncertain significance for Hereditary cancer-predisposing syndrome. Last evaluated: 2025-08-19. Review status: criteria provided, single submitter. Criteria: Ambry Variant Classification Scheme 2023. Collection method: clinical testing. Allele origin: germline.
Comment: The p.N638H variant (also known as c.1912A>C), located in coding exon 12 of the BRIP1 gene, results from an A to C substitution at nucleotide position 1912. The asparagine at codon 638 is replaced by histidine, an amino acid with similar properties. This amino acid position is conserved. In addition, the in silico prediction for this alteration is inconclusive. Based on the available evidence, the clinical significance of this variant remains unclear.